The following is an entry in ClinVar:

ClinVar aggregate classification (germline): Uncertain significance (1 of 4 stars; one submission).

Conditions:
Arrhythmogenic cardiomyopathy with wooly hair and keratoderma. Also called: Dilated cardiomyopathy with woolly hair and keratoderma; PALMOPLANTAR KERATODERMA WITH LEFT VENTRICULAR CARDIOMYOPATHY AND WOOLLY HAIR; Carvajal syndrome; Arrhythmogenic cardiomyopathy with woolly hair and keratoderma. Identifiers: Orphanet 65282, MedGen C1854063, MONDO:0011581, OMIM 605676.
Arrhythmogenic right ventricular dysplasia 8 (ARVD8). Also called: Arrhythmogenic Right Ventricular Dysplasia/Cardiomyopathy 8; ARRHYTHMOGENIC RIGHT VENTRICULAR DYSPLASIA, FAMILIAL, 8; ARRHYTHMOGENIC RIGHT VENTRICULAR CARDIOMYOPATHY 8. Identifiers: MedGen C1843896, MONDO:0011831, OMIM 607450.

Submission:

Labcorp Genetics (formerly Invitae), Labcorp
Classification: Uncertain significance for Arrhythmogenic cardiomyopathy with wooly hair and keratoderma; Arrhythmogenic right ventricular dysplasia 8. Last evaluated: 2021-04-23. Review status: criteria provided, single submitter. Criteria: Invitae Variant Classification Sherloc (09022015). Collection method: clinical testing. Allele origin: germline.
Comment: In summary, the available evidence is currently insufficient to determine the role of this variant in disease. Therefore, it has been classified as a Variant of Uncertain Significance. Algorithms developed to predict the effect of missense changes on protein structure and function (SIFT, PolyPhen-2, Align-GVGD) all suggest that this variant is likely to be disruptive, but these predictions have not been confirmed by published functional studies and their clinical significance is uncertain. This variant has not been reported in the literature in individuals with DSP-related conditions. This variant is not present in population databases (ExAC no frequency). This sequence change replaces glutamine with proline at codon 1227 of the DSP protein (p.Gln1227Pro). The glutamine residue is highly conserved and there is a moderate physicochemical difference between glutamine and proline.

NM_004415.4(DSP):c.3680A>C (p.Gln1227Pro)

Gene: DSP (desmoplakin; plus strand). Cytogenetic location: 6p24.3.
Variant type: single nucleotide variant.
Coding change: c.3680A>C on transcript NM_004415.4 (MANE Select); coding-DNA position 3680, A replaced by C.
Protein change: p.Gln1227Pro; replaces glutamine 1227 with proline.
Molecular consequence: missense variant. On other transcripts: intron variant (1).
Genome position (GRCh38, 1-based): chr6:7,579,870, A>C. VCF-style: chr6-7579870-A-C. GRCh37 (hg19) VCF-style: chr6-7580103-A-C.
Other names: c.3680A>C, p.Gln1227Pro (NM_001319034.2); c.3582+98A>C (NM_001008844.3); short protein forms Q1227P.
Identifiers: ClinVar variation 1403131 (VCV001403131.8), dbSNP rs1458557680, ClinGen allele CA362684615.
Genomic context (GRCh38, chr6:7,579,870, plus strand): 5'-GGAACAAGTATGAAACAGAGATTAACATTACGAAGACCACCATCAAGGAGATATCCATGC[A>C]AAAAGAGGATGATTCCAAAAATCTTAGAAACCAGCTTGATAGACTTTCAAGGGAAAATCG-3'
Protein context (NP_004406.2, residues 1217-1237): TKTTIKEISM[Gln1227Pro]KEDDSKNLRN